The following is an entry in ClinVar:

NM_001164508.2(NEB):c.10433del (p.Asn3478fs)

Gene: NEB (nebulin; minus strand). Cytogenetic location: 2q23.3.
Variant type: Deletion.
Coding change: c.10433del on transcript NM_001164508.2 (MANE Select); coding-DNA position 10433, one base deleted (A; older notation c.10433delA).
Protein change: p.Asn3478fs; shifts the reading frame from asparagine 3478.
Molecular consequence: frameshift variant.
Genome position (GRCh38, 1-based): chr2:151,625,553, T deleted on the plus strand (A on the coding strand, the reverse complement: NEB is on the minus strand); the first of 4 consecutive T bases (chr2:151,625,553-151,625,556); deleting any one gives the same sequence. VCF-style (leftmost placement, unchanged base first): chr2-151625552-AT-A. GRCh37 (hg19) VCF-style: chr2-152482066-AT-A.
Other names: c.10433del, p.Asn3478fs (NM_001164507.2, NM_001271208.2); c.9704del, p.Asn3235fs (NM_004543.5); short protein forms N3235fs, N3478fs.
Identifiers: ClinVar variation 5015557 (VCV005015557.1).
Genomic context (GRCh38, chr2:151,625,552, plus strand): 5'-ATCAATGTGGCCAGACCAAAGAAATAAAACAAATGATCTTACCTCACTATAATTTATTTT[AT>A]TTTGTCTTGCCAACATGATTTCAGGTGTATCAGGCATAATATGGACTTGGGTCTTGTCTT-3'

ClinVar aggregate classification (germline): Pathogenic (1 of 4 stars; one submission).

Conditions:
Nemaline myopathy 2 (NEM2). Also called: Nemaline myopathy 2, autosomal recessive. Identifiers: MedGen C1850569, MONDO:0009725, OMIM 256030.

Submission:

Myriad Genetics, Inc.
Classification: Pathogenic for Nemaline myopathy 2. Last evaluated: 2026-02-16. Review status: criteria provided, single submitter. Criteria: Myriad Autosomal Dominant, Autosomal Recessive and X-Linked Classification Criteria (2023). Collection method: clinical testing. Allele origin: unknown.
Comment: NM_001271208.1(NEB):c.10433delA(N3478Ifs*3) is expected to be pathogenic in the context of NEB-related nemaline myopathy. This variant is predicted to lead to an abnormal or absent protein product due to the creation of a premature termination codon in NEB, a gene where loss-of-function variants are known to be pathogenic. Please note: this variant was assessed in the context of healthy population screening.